The following is an entry in ClinVar:

ClinVar aggregate classification (germline): Uncertain significance (1 of 4 stars; one submission).

Submission:

Labcorp Genetics (formerly Invitae), Labcorp
Classification: Uncertain significance. Last evaluated: 2024-11-18. Review status: criteria provided, single submitter. Criteria: Invitae Variant Classification Sherloc (09022015). Collection method: clinical testing. Allele origin: germline.
Comment: This sequence change falls in intron 13 of the TULP1 gene. It does not directly change the encoded amino acid sequence of the TULP1 protein. It affects a nucleotide within the consensus splice site. This variant is not present in population databases (gnomAD no frequency). This variant has been observed in individual(s) with nyctalopia, peripheral and color vision loss, bone spicules, optic nerve atrophy, and abnormal fundus (internal data). ClinVar contains an entry for this variant (Variation ID: 1395332). Variants that disrupt the consensus splice site are a relatively common cause of aberrant splicing (PMID: 17576681, 9536098). Algorithms developed to predict the effect of sequence changes on RNA splicing suggest that this variant may disrupt the consensus splice site. In summary, the available evidence is currently insufficient to determine the role of this variant in disease. Therefore, it has been classified as a Variant of Uncertain Significance.

Literature cited by the submitters: PubMed 17576681; PubMed 9536098.

NM_003322.6(TULP1):c.1323+4A>G

Gene: TULP1 (TUB like protein 1; minus strand). Cytogenetic location: 6p21.31.
Variant type: single nucleotide variant.
Coding change: c.1323+4A>G on transcript NM_003322.6 (MANE Select); 4 bases into the intron after coding-DNA position 1323, A replaced by G.
Molecular consequence: intron variant.
Genome position (GRCh38, 1-based): chr6:35,503,555, T>C on the plus strand (A>G on the coding strand, the complement: TULP1 is on the minus strand). VCF-style: chr6-35503555-T-C. GRCh37 (hg19) VCF-style: chr6-35471332-T-C.
Other names: c.1164+4A>G (NM_001289395.2).
Identifiers: ClinVar variation 1395332 (VCV001395332.8), dbSNP rs2150924082, ClinGen allele CA2573140325.